The following is an entry in ClinVar:

ClinVar aggregate classification (germline): Uncertain significance (1 of 4 stars; one submission).

Conditions:
Cardiovascular phenotype. Identifiers: MedGen CN230736.

Submission:

Ambry Genetics
Classification: Uncertain significance for Cardiovascular phenotype. Last evaluated: 2022-10-24. Review status: criteria provided, single submitter. Criteria: Ambry Variant Classification Scheme 2023. Collection method: clinical testing. Allele origin: germline.
Comment: The p.W1458* variant (also known as c.4374G>A), located in coding exon 29 of the MYH6 gene, results from a G to A substitution at nucleotide position 4374. This changes the amino acid from a tryptophan to a stop codon within coding exon 29. This alteration is expected to result in protein truncation or nonsense-mediated mRNA decay. However, loss of function of MYH6 has not been established as a mechanism of disease. Since supporting evidence is limited at this time, the clinical significance of this alteration remains unclear.

NM_002471.4(MYH6):c.4374G>A (p.Trp1458Ter)

Gene: MYH6 (myosin heavy chain 6; minus strand). Cytogenetic location: 14q11.2.
Variant type: single nucleotide variant.
Coding change: c.4374G>A on transcript NM_002471.4 (MANE Select); coding-DNA position 4374, G replaced by A.
Protein change: p.Trp1458Ter; replaces tryptophan 1458 with a stop codon.
Molecular consequence: nonsense.
Genome position (GRCh38, 1-based): chr14:23,387,909, C>T on the plus strand (G>A on the coding strand, the complement: MYH6 is on the minus strand). VCF-style: chr14-23387909-C-T. GRCh37 (hg19) VCF-style: chr14-23857118-C-T.
Other names: short protein forms W1458*.
Identifiers: ClinVar variation 1740112 (VCV001740112.2), dbSNP rs2502148610, ClinGen allele CA388998064.
Genomic context (GRCh38, chr14:23,387,909, plus strand): 5'-GGAGCGAGCCTCCTTCTGTGAGGACTCCAGCTCAGACTGCGACTCCTCATACTTCTGCTT[C>T]CACTCGGCCAGGATCTGCCCGGGGACAAGGCTCACTCTTCAGCCCCCCAGCCTTAGCTCC-3'